The following is an entry in ClinVar:

ClinVar aggregate classification (germline): Benign/Likely benign. Review status: criteria provided, multiple submitters, no conflicts (2 of 4 stars). 6 submissions from 6 submitters: Benign (3); Likely benign (2). 1 of the submissions does not count toward it. Last evaluated 2026-08-01.

Allele frequency attached by ClinVar (database versions not stated): gnomAD 0.00718 and 0.00590; 1000 Genomes Project 30x 0.01077; 1000 Genomes Project 0.01078; gnomAD exomes 0.01194 and 0.00657; ExAC 0.02488; TOPMed 0.00424; ESP Exome Variant Server 0.00203.
gnomAD v4.1: 10,390 of 1,531,684 alleles (0.68%); highest among the groups gnomAD compares: Middle Eastern, 4.2%; 124 homozygotes.

Submissions (6):

CeGaT Center for Human Genetics Tuebingen
Classification: Benign. Last evaluated: 2026-08-01. Review status: criteria provided, single submitter. Criteria: CeGaT Center For Human Genetics Tuebingen Variant Classification Criteria Version 2. Collection method: clinical testing. Allele origin: germline. Affected: yes. Observed: 39 variant alleles.
Comment: NEFH: BS1, BS2

Labcorp Genetics (formerly Invitae), Labcorp
Classification: Benign. Last evaluated: 2026-02-01. Review status: criteria provided, single submitter. Criteria: Invitae Variant Classification Sherloc (09022015). Collection method: clinical testing. Allele origin: germline.

Mayo Clinic Laboratories, Mayo Clinic
Classification: Benign. Last evaluated: 2023-02-06. Review status: criteria provided, single submitter. Criteria: ACMG Guidelines, 2015. Collection method: clinical testing. Allele origin: germline. Observed: 22 variant alleles.
Comment: BS1, BS2, BP4

GeneDx
Classification: Likely benign. Last evaluated: 2021-05-05. Review status: criteria provided, single submitter. Criteria: GeneDx Variant Classification Process June 2021. Collection method: clinical testing. Allele origin: germline. Affected: yes.
Comment: This variant is associated with the following publications: (PMID: 32166880)

Breakthrough Genomics
Classification: Likely benign. Review status: criteria provided, single submitter. Criteria: ACMG Guidelines, 2015. Collection method: not provided. Allele origin: germline. Inheritance: Autosomal recessive inheritance. Affected: yes.

Epithelial Biology;  Institute of Medical Biology, Singapore
No classification provided. Review status: no classification provided. Collection method: not provided. Allele origin: not provided. Not counted in ClinVar's aggregate classification.

Literature cited by the submitters: PubMed 32166880 (cited by Mayo Clinic Laboratories, Mayo Clinic).

NM_021076.4(NEFH):c.745G>A (p.Gly249Ser)

Gene: NEFH (neurofilament heavy chain; plus strand). Cytogenetic location: 22q12.2.
Variant type: single nucleotide variant.
Coding change: c.745G>A on transcript NM_021076.4 (MANE Select); coding-DNA position 745, G replaced by A.
Protein change: p.Gly249Ser; replaces glycine 249 with serine.
Molecular consequence: missense variant.
Genome position (GRCh38, 1-based): chr22:29,481,007, G>A. VCF-style: chr22-29481007-G-A. GRCh37 (hg19) VCF-style: chr22-29876996-G-A.
Other names: p.Gly249Ser; short protein forms G249S.
Identifiers: ClinVar variation 66745 (VCV000066745.42), dbSNP rs60825978, ClinGen allele CA217662.